The following is an entry in ClinVar:

NM_017553.3(INO80):c.1687-3C>T

Gene: INO80 (INO80 complex ATPase subunit; minus strand). Cytogenetic location: 15q15.1.
Variant type: single nucleotide variant.
Coding change: c.1687-3C>T on transcript NM_017553.3 (MANE Select); 3 bases into the intron before coding-DNA position 1687, C replaced by T.
Molecular consequence: intron variant.
Genome position (GRCh38, 1-based): chr15:41,069,668, G>A on the plus strand (C>T on the coding strand, the complement: INO80 is on the minus strand). VCF-style: chr15-41069668-G-A. GRCh37 (hg19) VCF-style: chr15-41361866-G-A.
Identifiers: ClinVar variation 4997325 (VCV004997325.1).
Genomic context (GRCh38, chr15:41,069,668, plus strand): 5'-AATTGTTAAGTGTAGACGCAGGTGAAATTATTAAGAAAGGTCCCCAAATGTTCTCTCTCT[G>A]CAACAGAAAAACCCAGTCAGCCAACTACAGGAAAAGGGAAGGTATTTAATTCAAAATTAT-3'

ClinVar aggregate classification (germline): Likely benign (1 of 4 stars; one submission).

Conditions:
INO80-related disorder. Also called: INO80-related condition.

Submission:

PreventionGenetics, part of Exact Sciences
Classification: Likely benign for INO80-related condition. Last evaluated: 2025-02-26. Review status: criteria provided, single submitter. Criteria: ACMG Guidelines, 2015. Collection method: clinical testing. Allele origin: germline.
Comment: This variant is classified as likely benign based on ACMG/AMP sequence variant interpretation guidelines (Richards et al. 2015 PMID: 25741868, with internal and published modifications).